The following is an entry in ClinVar:

NM_001005242.3(PKP2):c.302G>A (p.Arg101His)

Gene: PKP2 (plakophilin 2; minus strand). Cytogenetic location: 12p11.21.
Variant type: single nucleotide variant.
Coding change: c.302G>A on transcript NM_001005242.3 (MANE Select); coding-DNA position 302, G replaced by A.
Protein change: p.Arg101His; replaces arginine 101 with histidine.
Molecular consequence: missense variant.
Genome position (GRCh38, 1-based): chr12:32,878,954, C>T on the plus strand (G>A on the coding strand, the complement: PKP2 is on the minus strand). VCF-style: chr12-32878954-C-T. GRCh37 (hg19) VCF-style: chr12-33031888-C-T.
Other names: c.302G>A, p.Arg101His (NM_004572.4); short protein forms R101H.
Identifiers: ClinVar variation 45076 (VCV000045076.58), dbSNP rs149542398, ClinGen allele CA012247.
Genomic context (GRCh38, chr12:32,878,954, plus strand): 5'-TAGGGTTACATTCTTTGATATCCTACCTTTAGCATGTCATAGGTTTTAGGAACAGGGGAA[C>T]GGCCTCCAACAAAATCATTTTCAACCAAGTGTAGGTTGTAGACATACTCAGGAACACTGC-3'
Protein context (NP_001005242.2, residues 91-111): HLVENDFVGG[Arg101His]SPVPKTYDML

ClinVar aggregate classification (germline): Conflicting classifications of pathogenicity. Review status: criteria provided, conflicting classifications (1 of 4 stars). 16 submissions from 16 submitters: Uncertain significance (8); Likely benign (8). Last evaluated 2026-06-30.

Conditions:
PKP2-related disorder. Also called: PKP2-related condition.
Cardiovascular phenotype. Identifiers: MedGen CN230736.
Cardiomyopathy (CMYO). Also called: Cardiomyopathies. Identifiers: Orphanet 167848, MedGen C0878544, MONDO:0004994, HP:0001638. Inheritance: Various modes of inheritance.
Conduction disorder of the heart. Also called: Cardiac conduction defect. Identifiers: Orphanet 871, MedGen C0264886, MONDO:0100042, OMIM 115080.
Arrhythmogenic right ventricular dysplasia 9 (ARVD9). Also called: Arrhythmogenic Right Ventricular Dysplasia/Cardiomyopathy 9; ARRHYTHMOGENIC RIGHT VENTRICULAR DYSPLASIA, FAMILIAL, 9. Identifiers: MedGen C1836906, MONDO:0012180, OMIM 609040.

Allele frequency attached by ClinVar (database versions not stated): gnomAD exomes 0.00015; gnomAD 0.00022; TOPMed 0.00033; ESP Exome Variant Server 0.00038; ExAC 0.00012.
gnomAD v4.1: 847 of 1,600,104 alleles (0.053%); highest among the groups gnomAD compares: Non-Finnish European, 0.07%; 1 homozygote.

Submissions 1 to 10 of 16:

PreventionGenetics, part of Exact Sciences
Classification: Likely benign for PKP2-related condition. Last evaluated: 2026-06-30. Review status: criteria provided, single submitter. Criteria: ACMG Guidelines, 2015. Collection method: clinical testing. Allele origin: germline.
Comment: This variant is classified as likely benign based on ACMG/AMP sequence variant interpretation guidelines (Richards et al. 2015 PMID: 25741868, with internal and published modifications).

Women's Health and Genetics/Laboratory Corporation of America, LabCorp
Classification: Uncertain significance. Last evaluated: 2026-03-30. Review status: criteria provided, single submitter. Criteria: LabCorp Variant Classification Summary - May 2015. Collection method: clinical testing. Allele origin: germline.
Comment: Variant summary: PKP2 c.302G>A (p.Arg101His) results in a non-conservative amino acid change in the encoded protein sequence. Algorithms developed to predict the effect of missense changes on protein structure and function are either unavailable or do not agree on the potential impact of this missense change. The variant allele was found at a frequency of 0.00015 in 251412 control chromosomes, predominantly at a frequency of 0.00031 within the Non-Finnish European subpopulation in the gnomAD database. This frequency is not significantly higher than estimated for disease-causing variants in PKP2, allowing no conclusion about variant significance. c.302G>A has been reported in individuals affected with Arrhythmogenic Right Ventricular Dysplasia/Cardiomyopathy (e.g Fressart_2010), Hypertrophic Cardiomyopathy (e.g. Lopes_2013), Dilated Cardiomyopathy (e.g. Pugh_2014) and Brugada Syndrome (e.g. Allegue_2015). These reports do not provide unequivocal conclusions about association of the variant with Arrhythmogenic Right Ventricular Dysplasia/Cardiomyopathy. To our knowledge, no experimental evidence demonstrating an impact on protein function has been reported. The following publications have been ascertained in the context of this evaluation (PMID: 26230511, 30821013, 20400443, 23396983, 24503780). ClinVar contains an entry for this variant (Variation ID: 45076). Based on the evidence outlined above, the variant was classified as uncertain significance.

Labcorp Genetics (formerly Invitae), Labcorp
Classification: Uncertain significance for Arrhythmogenic right ventricular dysplasia 9. Last evaluated: 2026-01-27. Review status: criteria provided, single submitter. Criteria: Invitae Variant Classification Sherloc (09022015). Collection method: clinical testing. Allele origin: germline.
Comment: This sequence change replaces arginine, which is basic and polar, with histidine, which is basic and polar, at codon 101 of the PKP2 protein (p.Arg101His). This variant is present in population databases (rs149542398, gnomAD 0.03%). This missense change has been observed in individual(s) with arrhythmogenic right ventricular dysplasia/cardiomyopathy, Brugada syndrome and dilated cardiomyopathy (PMID: 20400443, 23861362, 24503780, 25351510, 26230511, 33029862). ClinVar contains an entry for this variant (Variation ID: 45076). An algorithm developed to predict the effect of missense changes on protein structure and function outputs the following: PolyPhen-2: "Benign". The histidine amino acid residue is found in multiple mammalian species, which suggests that this missense change does not adversely affect protein function. In summary, the available evidence is currently insufficient to determine the role of this variant in disease. Therefore, it has been classified as a Variant of Uncertain Significance.

Dasa
Classification: Uncertain significance. Last evaluated: 2025-11-07. Review status: criteria provided, single submitter. Criteria: DASA Assertion Criteria. Collection method: clinical testing. Allele origin: germline.
Comment: NM_001005242.3(PKP2):c.302G>A (p.Arg101His) is a missense variant that results in the substitution of arginine with histidine. This variant is rare in population databases. The currently available literature and clinical evidence are not sufficient to establish a definitive association between this variant and the reported condition. Therefore, this variant is classified as a variant of uncertain significance.

Ambry Genetics
Classification: Likely benign for Cardiovascular phenotype. Last evaluated: 2025-06-09. Review status: criteria provided, single submitter. Criteria: Ambry Variant Classification Scheme 2023. Collection method: clinical testing. Allele origin: germline.

Blueprint Genetics
Classification: Likely benign. Last evaluated: 2024-09-19. Review status: criteria provided, single submitter. Criteria: ACMG Guidelines, 2015. Collection method: clinical testing. Allele origin: germline.

Mayo Clinic Laboratories, Mayo Clinic
Classification: Uncertain significance. Last evaluated: 2024-08-02. Review status: criteria provided, single submitter. Criteria: ACMG Guidelines, 2015. Collection method: clinical testing. Allele origin: germline. Observed: 2 variant alleles.
Comment: BS1, BP4

Victorian Clinical Genetics Services, Murdoch Childrens Research Institute
Classification: Likely benign for Arrhythmogenic right ventricular dysplasia 9. Last evaluated: 2022-02-02. Review status: criteria provided, single submitter. Criteria: ACMG Guidelines, 2015. Collection method: clinical testing. Allele origin: germline. Inheritance: Autosomal dominant inheritance.
Comment: Based on the classification scheme VCGS_Germline_v1.3.4, this variant is classified as Likely benign. Following criteria are met: 0102 - Loss of function is a known mechanism of disease in this gene and is associated with arrhythmogenic right ventricular dysplasia 9 (ARVD9; MIM#609040). (I) 0107 - This gene is associated with autosomal dominant disease. (I) 0112 - The condition associated with this gene has incomplete penetrance (PMID: 17010805, PMID: 23183494). (I) 0115 - Variants in this gene are known to have variable expressivity (PMID: 17010805, PMID: 23183494). (I) 0200 - Variant is predicted to result in a missense amino acid change from arginine to histidine. (I) 0251 - This variant is heterozygous. (I) 0302 - Variant is present in gnomAD (v3) <0.001 for a dominant condition (46 heterozygotes, 0 homozygotes). (SP) 0309 - Two alternative amino acid changes at the same position has been observed in gnomAD (v3) (1 heterozygote, 0 homozygotes each). (I) 0503 - Missense variant consistently predicted to be tolerated by multiple in silico tools or not conserved in placental mammals with a minor amino acid change. (SB) 0604 - Variant is not located in an established domain, motif, hotspot or informative constraint region. (I) 0705 - No comparable missense variants have previous evidence for pathogenicity. (I) 0808 - Previous reports of pathogenicity for this variant are conflicting. This variant has been classified as likely benign in ClinVar and as VUS in multiple individuals with arrhythmogenic right ventricular dysplasia/cardiomyopathy, hypertrophic cardiomyopathy, dilated cardiomyopathy and Brugada syndrome (ClinVar, PMID: 20400443, 23396983, 24503780, 26230511), and also reported in an unaffected control individual (PMID: 23861362). (I) 0905 - No published segregation evidence has been identified for this variant. (I) 1007 - No published functional evidence has been identified for this variant. (I) 1208 - Inheritance information for this variant is not currently available in this individual. (I) Legend: (SP) - Supporting pathogenic, (I) - Information, (SB) - Supporting benign

GeneDx
Classification: Likely benign. Last evaluated: 2021-02-18. Review status: criteria provided, single submitter. Criteria: GeneDx Variant Classification Process June 2021. Collection method: clinical testing. Allele origin: germline. Affected: yes.
Comment: Reported in association with various clinical phenotypes including DCM, ARVC, HCM, and Brugada syndrome (Fressart et al., 2010; Lopes et al., 2013; Pugh et al., 2014; Allegue et al., 2015); Observed in one individual from a cohort not selected for cardiomyopathy, arrhythmia, or family history of sudden cardiac death that underwent exome sequencing (Ng et al., 2013); In silico analysis supports that this missense variant does not alter protein structure/function; Reported in ClinVar but additional evidence is not available (ClinVar Variant ID# 45076; Landrum et al., 2016); This variant is associated with the following publications: (PMID: 30821013, 27085656, 25351510, 23396983, 23861362, 24503780, 20400443, 26230511)

Molecular Diagnostic Laboratory for Inherited Cardiovascular Disease, Montreal Heart Institute
Classification: Uncertain significance for Conduction disorder of the heart. Last evaluated: 2020-04-14. Review status: criteria provided, single submitter. Criteria: ACMG Guidelines, 2015. Collection method: clinical testing. Allele origin: germline. Affected: yes.